The following is an entry in ClinVar:

NM_001846.4(COL4A2):c.2395C>T (p.Pro799Ser)

Gene: COL4A2 (collagen type IV alpha 2 chain; plus strand). Cytogenetic location: 13q34.
Variant type: single nucleotide variant.
Coding change: c.2395C>T on transcript NM_001846.4 (MANE Select); coding-DNA position 2395, C replaced by T.
Protein change: p.Pro799Ser; replaces proline 799 with serine.
Molecular consequence: missense variant.
Genome position (GRCh38, 1-based): chr13:110,473,120, C>T. VCF-style: chr13-110473120-C-T. GRCh37 (hg19) VCF-style: chr13-111125467-C-T.
Other names: c.2395C>T (NM_001846.2); short protein forms P799S.
Identifiers: ClinVar variation 1408329 (VCV001408329.16), dbSNP rs376694121, ClinGen allele CA7049902.

ClinVar aggregate classification (germline): Uncertain significance. Review status: criteria provided, multiple submitters, no conflicts (2 of 4 stars). 4 submissions from 4 submitters: Uncertain significance (4). Last evaluated 2025-12-02.

Conditions:
Hemorrhage, intracerebral, susceptibility to (ICH). Also called: Stroke, hemorrhagic, susceptibility to. Identifiers: MedGen C3281105, MONDO:0100533, OMIM 614519.
Brain small vessel disease 2A, autosomal dominant. Also called: Porencephaly 2. Identifiers: Orphanet 2940, Orphanet 99810, MedGen C3280970, MONDO:0013773, OMIM 614483.
Inborn genetic diseases. Identifiers: MedGen C0950123, MeSH D030342.

Allele frequency attached by ClinVar (database versions not stated): gnomAD exomes 0.00003; TOPMed 0.00003; gnomAD 0.00004 and 0.00005; ExAC 0.00005; ESP Exome Variant Server 0.00008.
gnomAD v4.1: 25 of 1,561,710 alleles (0.0016%); highest among the groups gnomAD compares: Admixed American, 0.0038%; no homozygotes.

Submissions (4):

Ambry Genetics
Classification: Uncertain significance for Inborn genetic diseases. Last evaluated: 2025-12-02. Review status: criteria provided, single submitter. Criteria: Ambry Variant Classification Scheme 2023. Collection method: clinical testing. Allele origin: germline.

CeGaT Center for Human Genetics Tuebingen
Classification: Uncertain significance. Last evaluated: 2025-09-01. Review status: criteria provided, single submitter. Criteria: CeGaT Center For Human Genetics Tuebingen Variant Classification Criteria Version 2. Collection method: clinical testing. Allele origin: germline. Affected: yes. Observed: 1 variant allele.
Comment: COL4A2: PM2

Labcorp Genetics (formerly Invitae), Labcorp
Classification: Uncertain significance. Last evaluated: 2025-02-27. Review status: criteria provided, single submitter. Criteria: Invitae Variant Classification Sherloc (09022015). Collection method: clinical testing. Allele origin: germline.
Comment: This sequence change replaces proline, which is neutral and non-polar, with serine, which is neutral and polar, at codon 799 of the COL4A2 protein (p.Pro799Ser). This variant is present in population databases (rs376694121, gnomAD 0.009%). This variant has not been reported in the literature in individuals affected with COL4A2-related conditions. ClinVar contains an entry for this variant (Variation ID: 1408329). Invitae Evidence Modeling of protein sequence and biophysical properties (such as structural, functional, and spatial information, amino acid conservation, physicochemical variation, residue mobility, and thermodynamic stability) indicates that this missense variant is not expected to disrupt COL4A2 protein function with a negative predictive value of 95%. In summary, the available evidence is currently insufficient to determine the role of this variant in disease. Therefore, it has been classified as a Variant of Uncertain Significance.

Fulgent Genetics
Classification: Uncertain significance for Brain small vessel disease 2A, autosomal dominant; Hemorrhage, intracerebral, susceptibility to. Last evaluated: 2024-03-19. Review status: criteria provided, single submitter. Criteria: ACMG Guidelines, 2015. Collection method: clinical testing. Allele origin: germline.